The following is an entry in ClinVar:

ClinVar aggregate classification (germline): Uncertain significance. Review status: criteria provided, multiple submitters, no conflicts (2 of 4 stars). 2 submissions from 2 submitters: Uncertain significance (2). Last evaluated 2025-01-27.

Allele frequency attached by ClinVar (database versions not stated): gnomAD exomes below 0.00001; gnomAD 0.00001; TOPMed 0.00001.
gnomAD v4.1: 4 of 1,614,076 alleles (0.00025%); highest among the groups gnomAD compares: Non-Finnish European, 0.00025%; no homozygotes.

Submissions (2):

Ambry Genetics
Classification: Uncertain significance. Last evaluated: 2025-01-27. Review status: criteria provided, single submitter. Criteria: Ambry Variant Classification Scheme 2023. Collection method: clinical testing. Allele origin: germline.

GeneDx
Classification: Uncertain significance. Last evaluated: 2023-07-05. Review status: criteria provided, single submitter. Criteria: GeneDx Variant Classification Process June 2021. Collection method: clinical testing. Allele origin: germline. Affected: yes.
Comment: In silico analysis supports that this missense variant does not alter protein structure/function; Has not been previously published as pathogenic or benign to our knowledge; Variants in candidate genes are classified as variants of uncertain significance in accordance with ACMG guidelines (Richards et al., 2015)

NM_001130145.3(YAP1):c.434C>G (p.Thr145Ser)

Gene: YAP1 (Yes1 associated transcriptional regulator; plus strand). Cytogenetic location: 11q22.1.
Variant type: single nucleotide variant.
Coding change: c.434C>G on transcript NM_001130145.3 (MANE Select); coding-DNA position 434, C replaced by G.
Protein change: p.Thr145Ser; replaces threonine 145 with serine.
Molecular consequence: missense variant. On other transcripts: 5 prime UTR variant (1).
Genome position (GRCh38, 1-based): chr11:102,114,256, C>G. VCF-style: chr11-102114256-C-G. GRCh37 (hg19) VCF-style: chr11-101984987-C-G.
Other names: c.434C>G, p.Thr145Ser (NM_001195044.2, NM_001282097.2, NM_001282098.2 and 4 more transcripts); c.-101C>G (NM_001195045.2); short protein forms T145S.
Identifiers: ClinVar variation 2271317 (VCV002271317.4), dbSNP rs1288900479, ClinGen allele CA382288628.